The following is an entry in ClinVar:

NM_004260.4(RECQL4):c.1027C>T (p.Pro343Ser)

Gene: RECQL4 (RecQ like helicase 4; minus strand). Cytogenetic location: 8q24.3.
Variant type: single nucleotide variant.
Coding change: c.1027C>T on transcript NM_004260.4 (MANE Select); coding-DNA position 1027, C replaced by T.
Protein change: p.Pro343Ser; replaces proline 343 with serine.
Molecular consequence: missense variant.
Genome position (GRCh38, 1-based): chr8:144,516,092, G>A on the plus strand (C>T on the coding strand, the complement: RECQL4 is on the minus strand). VCF-style: chr8-144516092-G-A. GRCh37 (hg19) VCF-style: chr8-145741476-G-A.
Other names: short protein forms P343S.
Identifiers: ClinVar variation 658094 (VCV000658094.3), dbSNP rs1379758021, ClinGen allele CA372688257.
Genomic context (GRCh38, chr8:144,516,092, plus strand): 5'-AGTGTTTCTGCTTCATGTTGAGCCGTACGTAATTGCCCCTGTCATGGCGGGCCAGCCGAG[G>A]GAAGATGTGCAGGGGGGCTGTGCCCTCAGCCTTCCCAGCCCTAGCTTGACTGGAGGGGCT-3'
Protein context (NP_004251.4, residues 333-353): AEGTAPLHIF[Pro343Ser]RLARHDRGNY

ClinVar aggregate classification (germline): Uncertain significance (1 of 4 stars; one submission).

Conditions:
Baller-Gerold syndrome (BGS). Also called: CRANIOSYNOSTOSIS WITH RADIAL DEFECTS. Identifiers: Orphanet 1225, MedGen C0265308, MONDO:0009039, OMIM 218600.

Allele frequency attached by ClinVar (database versions not stated): gnomAD exomes below 0.00001; gnomAD 0.00001.
gnomAD v4.1: 3 of 1,612,654 alleles (0.00019%); highest among the groups gnomAD compares: Non-Finnish European, 0.00017%; no homozygotes.

Submission:

Labcorp Genetics (formerly Invitae), Labcorp
Classification: Uncertain significance for Baller-Gerold syndrome. Last evaluated: 2023-11-14. Review status: criteria provided, single submitter. Criteria: Invitae Variant Classification Sherloc (09022015). Collection method: clinical testing. Allele origin: germline.
Comment: This sequence change replaces proline, which is neutral and non-polar, with serine, which is neutral and polar, at codon 343 of the RECQL4 protein (p.Pro343Ser). This variant is present in population databases (no rsID available, gnomAD 0.007%). This variant has not been reported in the literature in individuals affected with RECQL4-related conditions. ClinVar contains an entry for this variant (Variation ID: 658094). Advanced modeling of protein sequence and biophysical properties (such as structural, functional, and spatial information, amino acid conservation, physicochemical variation, residue mobility, and thermodynamic stability) performed at Invitae indicates that this missense variant is not expected to disrupt RECQL4 protein function with a negative predictive value of 80%. In summary, the available evidence is currently insufficient to determine the role of this variant in disease. Therefore, it has been classified as a Variant of Uncertain Significance.